The following is an entry in ClinVar:

ClinVar aggregate classification (germline): Benign/Likely benign. Review status: criteria provided, multiple submitters, no conflicts (2 of 4 stars). 2 submissions from 2 submitters: Benign (1); Likely benign (1). Last evaluated 2019-10-30.

Conditions:
Arthrogryposis, distal, type 1B. Identifiers: Orphanet 1146, MedGen C3280526, MONDO:0013698, OMIM 614335.

Allele frequency attached by ClinVar (database versions not stated): 1000 Genomes Project 30x 0.00344; 1000 Genomes Project 0.00379; TOPMed 0.00779; gnomAD 0.00771 and 0.00794.
gnomAD v4.1: 12,547 of 1,236,734 alleles (1%); highest among the groups gnomAD compares: Non-Finnish European, 1.2%; 85 homozygotes.

Submissions (2):

GeneDx
Classification: Likely benign. Last evaluated: 2019-10-30. Review status: criteria provided, single submitter. Criteria: GeneDx Variant Classification Process June 2021. Collection method: clinical testing. Allele origin: germline. Affected: yes.

Illumina Laboratory Services, Illumina
Classification: Benign for Arthrogryposis, distal, type 1B. Last evaluated: 2018-01-13. Review status: criteria provided, single submitter. Criteria: ICSL Variant Classification Criteria 13 December 2019. Collection method: clinical testing. Allele origin: germline.
Comment: This variant was observed in the ICSL laboratory as part of a predisposition screen in an ostensibly healthy population. It had not been previously curated by ICSL or reported in the Human Gene Mutation Database (HGMD: prior to June 1st, 2018), and was therefore a candidate for classification through an automated scoring system. Utilizing variant allele frequency, disease prevalence and penetrance estimates, and inheritance mode, an automated score was calculated to assess if this variant is too frequent to cause the disease. Based on the score and internal cut-off values, a variant classified as benign is not then subjected to further curation. The score for this variant resulted in a classification of benign for this disease.

NM_002465.4(MYBPC1):c.-93C>T

Gene: MYBPC1 (myosin binding protein C1; plus strand). Cytogenetic location: 12q23.2.
Variant type: single nucleotide variant.
Coding change: c.-93C>T on transcript NM_002465.4 (MANE Select); 93 bases upstream of the start codon, C replaced by T.
Molecular consequence: 5 prime UTR variant.
Genome position (GRCh38, 1-based): chr12:101,594,978, C>T. VCF-style: chr12-101594978-C-T. GRCh37 (hg19) VCF-style: chr12-101988756-C-T.
Other names: c.-93C>T (NM_001254718.3, NM_001254719.3, NM_001254720.3 and 13 more transcripts).
Identifiers: ClinVar variation 306703 (VCV000306703.9), dbSNP rs78173516, ClinGen allele CA10631859.
Genomic context (GRCh38, chr12:101,594,978, plus strand): 5'-ATGATTGATGTTCAGAGGCAGTATAAAAGCACTGGGTTTCTCCCCAACTGCTTGTCACAC[C>T]GACCTGCACCATCTCTCGCCTGCCTGTGGGGTTTCTGTCAACTAGTCGTGGAGGGAAGGA-3'